The following is an entry in ClinVar:

NM_000268.4(NF2):c.1772T>A (p.Phe591Tyr)

Gene: NF2 (NF2, moesin-ezrin-radixin like (MERLIN) tumor suppressor; plus strand). Cytogenetic location: 22q12.2.
Variant type: single nucleotide variant.
Coding change: c.1772T>A on transcript NM_000268.4 (MANE Select); coding-DNA position 1772, T replaced by A.
Protein change: p.Phe591Tyr; replaces phenylalanine 591 with tyrosine.
Molecular consequence: missense variant. On other transcripts: 3 prime UTR variant (5), non-coding transcript variant (1).
Genome position (GRCh38, 1-based): chr22:29,694,786, T>A. VCF-style: chr22-29694786-T-A. GRCh37 (hg19) VCF-style: chr22-30090775-T-A.
Other names: c.1658T>A, p.Phe553Tyr (NM_001407053.1); c.1649T>A, p.Phe550Tyr (NM_001407054.1); c.1646T>A, p.Phe549Tyr (NM_001407055.1); c.*44T>A (NM_001407056.1, NM_001407059.1, NM_001407065.1 and 5 more transcripts); c.1637T>A, p.Phe546Tyr (NM_001407057.1); c.*59T>A (NM_001407058.1, NM_001407063.1, NM_181832.3); c.1609T>A, p.Ser537Thr (NM_001407060.1); c.1514T>A, p.Phe505Tyr (NM_001407062.1); and 2 more; short protein forms F161Y, F550Y, F546Y, F549Y, F591Y, S537T, F553Y, S454T.
Identifiers: ClinVar variation 2005202 (VCV002005202.4), dbSNP rs2518808343, ClinGen allele CA411152299.

ClinVar aggregate classification (germline): Uncertain significance (1 of 4 stars; one submission).

Conditions:
Neurofibromatosis, type 2 (SWNV). Also called: NF2-Related Schwannomatosis; BILATERAL ACOUSTIC NEUROFIBROMATOSIS; SCHWANNOMATOSIS, VESTIBULAR. Identifiers: Orphanet 637, MedGen C0027832, MONDO:0007039, OMIM 101000. Disease mechanism: loss of function.

Allele frequency attached by ClinVar (database versions not stated): gnomAD exomes below 0.00001.
gnomAD v4.1: 1 of 1,613,636 alleles (0.000062%); highest among the groups gnomAD compares: Non-Finnish European, 0.000085%; no homozygotes.

Submission:

Labcorp Genetics (formerly Invitae), Labcorp
Classification: Uncertain significance for Neurofibromatosis, type 2. Last evaluated: 2022-06-12. Review status: criteria provided, single submitter. Criteria: Invitae Variant Classification Sherloc (09022015). Collection method: clinical testing. Allele origin: germline.
Comment: In summary, the available evidence is currently insufficient to determine the role of this variant in disease. Therefore, it has been classified as a Variant of Uncertain Significance. Algorithms developed to predict the effect of missense changes on protein structure and function (SIFT, PolyPhen-2, Align-GVGD) all suggest that this variant is likely to be tolerated. This variant has not been reported in the literature in individuals affected with NF2-related conditions. This variant is not present in population databases (gnomAD no frequency). This sequence change replaces phenylalanine, which is neutral and non-polar, with tyrosine, which is neutral and polar, at codon 591 of the NF2 protein (p.Phe591Tyr).